The following is an entry in ClinVar:

NM_000179.3(MSH6):c.552_555del (p.Asn184fs)

Gene: MSH6 (mutS homolog 6; plus strand). Cytogenetic location: 2p16.3.
Variant type: Microsatellite.
Coding change: c.552_555del on transcript NM_000179.3 (MANE Select); coding-DNA positions 552 to 555, 4 bases deleted (TAAA; older notation c.552_555delTAAA).
Protein change: p.Asn184fs; shifts the reading frame from asparagine 184.
Molecular consequence: frameshift variant. On other transcripts: 5 prime UTR variant (1), intron variant (2).
Genome position (GRCh38, 1-based): chr2:47,795,988-47,795,991, TAAA deleted; deleting any 4 consecutive bases within chr2:47,795,984-47,795,991 gives the same sequence; the c. name uses the placement nearest the transcript's 3' end. VCF-style (leftmost placement, unchanged base first): chr2-47795983-TTAAA-T. GRCh37 (hg19) VCF-style: chr2-48023122-TTAAA-T.
Other names: c.552_555delTAAA (NM_000179.2); c.-355TAAA[1] (NM_001281494.2); c.-279-2623_-279-2620del (NM_001281493.2); c.238-2623_238-2620del (NM_001281492.2); short protein forms N184fs.
Identifiers: ClinVar variation 422416 (VCV000422416.24), dbSNP rs1023534466, ClinGen allele CA16617630.

ClinVar aggregate classification (germline): Pathogenic/Likely pathogenic. Review status: criteria provided, multiple submitters, no conflicts (2 of 4 stars). 9 submissions from 9 submitters: Pathogenic (8); Likely pathogenic (1). Last evaluated 2025-12-05.

Conditions:
Hereditary nonpolyposis colorectal neoplasms. Identifiers: MedGen C0009405, MeSH D003123.
MSH6-related disorder. Also called: MSH6-Related disorders; MSH6-related condition.
Lynch syndrome 5 (LYNCH5). Also called: Hereditary non-polyposis colorectal cancer, type 5; Colorectal cancer, hereditary nonpolyposis, type 5. Identifiers: Orphanet 144, MedGen C1833477, MONDO:0013710, OMIM 614350. Disease mechanism: loss of function.
Endometrial carcinoma. Also called: Endometrial carcinoma, somatic. Identifiers: MedGen C0476089, MONDO:0002447, OMIM 608089, HP:0012114.
Hereditary cancer-predisposing syndrome. Also called: Hereditary Cancer Syndrome; Tumor predisposition; Hereditary neoplastic syndrome; Neoplastic Syndromes, Hereditary. Identifiers: Orphanet 140162, MedGen C0027672, MeSH D009386, MONDO:0015356.

Submissions (9):

Ambry Genetics
Classification: Pathogenic for Hereditary cancer-predisposing syndrome. Last evaluated: 2025-12-05. Review status: criteria provided, single submitter. Criteria: Ambry Variant Classification Scheme 2023. Collection method: clinical testing. Allele origin: germline.
Comment: The c.552_555delTAAA pathogenic mutation, located in coding exon 3 of the MSH6 gene, results from a deletion of 4 nucleotides at nucleotide positions 552 to 555, causing a translational frameshift with a predicted alternate stop codon (p.N184Kfs*26). This variant is considered to be rare based on population cohorts in the Genome Aggregation Database (gnomAD). This alteration is expected to result in loss of function by premature protein truncation or nonsense-mediated mRNA decay. As such, this alteration is interpreted as a disease-causing mutation.

PreventionGenetics, part of Exact Sciences
Classification: Pathogenic for MSH6-related condition. Last evaluated: 2025-11-20. Review status: criteria provided, single submitter. Criteria: ACMG Guidelines, 2015. Collection method: clinical testing. Allele origin: germline.
Comment: The MSH6 c.552_555delTAAA variant is predicted to result in a frameshift and premature protein termination (p.Asn184Lysfs*26). This variant has been reported in an individual with endometrial carcinoma (Table 2, Sarode et al. 2019. PubMed ID: 30917047). This variant has not been reported in a large population database (gnomAD), indicating this variant is rare. In ClinVar, this variant is interpreted as pathogenic/likely pathogenic by multiple laboratories (ClinVar ID: 422416). Frameshift variants in MSH6 are expected to be pathogenic. This variant is interpreted as pathogenic.

Labcorp Genetics (formerly Invitae), Labcorp
Classification: Pathogenic for Hereditary nonpolyposis colorectal neoplasms. Last evaluated: 2025-07-14. Review status: criteria provided, single submitter. Criteria: Invitae Variant Classification Sherloc (09022015). Collection method: clinical testing. Allele origin: germline.
Comment: This sequence change creates a premature translational stop signal (p.Asn184Lysfs*26) in the MSH6 gene. It is expected to result in an absent or disrupted protein product. Loss-of-function variants in MSH6 are known to be pathogenic (PMID: 18269114, 24362816). This variant is not present in population databases (gnomAD no frequency). This variant has not been reported in the literature in individuals affected with MSH6-related conditions. ClinVar contains an entry for this variant (Variation ID: 422416). For these reasons, this variant has been classified as Pathogenic.

GeneDx
Classification: Pathogenic. Last evaluated: 2024-03-13. Review status: criteria provided, single submitter. Criteria: GeneDx Variant Classification Process June 2021. Collection method: clinical testing. Allele origin: germline. Affected: yes.
Comment: Frameshift variant predicted to result in protein truncation or nonsense mediated decay in a gene for which loss of function is a known mechanism of disease; Not observed at significant frequency in large population cohorts (gnomAD); Observed in an individual with a personal history consistent with pathogenic variants in this gene (PMID: 30917047); Truncating variants in this gene are considered pathogenic by a well-established clinical consortium and/or database; This variant is associated with the following publications: (PMID: 30383610, 30917047)

Myriad Genetics, Inc.
Classification: Pathogenic for Lynch syndrome 5. Last evaluated: 2023-08-10. Review status: criteria provided, single submitter. Criteria: Myriad Autosomal Dominant, Autosomal Recessive and X-Linked Classification Criteria (2023). Collection method: clinical testing. Allele origin: unknown.
Comment: This variant is considered pathogenic. This variant creates a frameshift predicted to result in premature protein truncation.

Quest Diagnostics Nichols Institute San Juan Capistrano
Classification: Pathogenic. Last evaluated: 2023-07-27. Review status: criteria provided, single submitter. Criteria: Quest Diagnostics criteria. Collection method: clinical testing. Allele origin: unknown.
Comment: The MSH6 c.552_555del (p.Asn184Lysfs*26) variant alters the translational reading frame of the MSH6 mRNA and causes the premature termination of MSH6 protein synthesis. In the published literature, this variant has been reported in an individual with endometrial cancer, with immunohistochemical analysis showing loss of MMR protein expression and high microsatellite instability (PMIDs: 30383610 (2019), 30917047 (20019)). This variant has not been reported in large, multi-ethnic general populations (Genome Aggregation Database). Based on the available information, this variant is classified as pathogenic.

Baylor Genetics
Classification: Likely pathogenic for Endometrial carcinoma. Last evaluated: 2022-02-21. Review status: criteria provided, single submitter. Criteria: ACMG Guidelines, 2015. Collection method: clinical testing. Allele origin: unknown.

Department of Pathology and Laboratory Medicine, Sinai Health System
Classification: Pathogenic for Endometrial carcinoma; Lynch syndrome 5. Last evaluated: 2021-09-23. Review status: criteria provided, single submitter. Criteria: ACMG Guidelines, 2015. Collection method: clinical testing. Allele origin: germline. Affected: yes.

Color Diagnostics, LLC DBA Color Health
Classification: Pathogenic for Hereditary cancer-predisposing syndrome. Last evaluated: 2020-03-27. Review status: criteria provided, single submitter. Criteria: ACMG Guidelines, 2015. Collection method: clinical testing. Allele origin: germline.
Comment: This variant deletes 4 nucleotides in exon 3 of the MSH6 gene, creating a frameshift and premature translation stop signal. This variant is expected to result in an absent or non-functional protein product. To our knowledge, this variant has not been reported in individuals affected with hereditary cancer in the literature. This variant has not been identified in the general population by the Genome Aggregation Database (gnomAD). Loss of MSH6 function is a known mechanism of disease. Based on the available evidence, this variant is classified as Pathogenic.

Literature cited by the submitters: PubMed 18269114 (cited by Labcorp Genetics (formerly Invitae), Labcorp); PubMed 24362816 (cited by Labcorp Genetics (formerly Invitae), Labcorp); PubMed 30383610 (cited by Quest Diagnostics Nichols Institute San Juan Capistrano); PubMed 30917047 (cited by Quest Diagnostics Nichols Institute San Juan Capistrano).